The following is an entry in ClinVar:

NM_003872.3(NRP2):c.2425+9604G>A

Gene: NRP2 (neuropilin 2; plus strand). Cytogenetic location: 2q33.3.
Variant type: single nucleotide variant.
Coding change: c.2425+9604G>A on transcript NM_003872.3 (MANE Select); 9604 bases into the intron after coding-DNA position 2425, G replaced by A.
Molecular consequence: intron variant. On other transcripts: missense variant (2).
Genome position (GRCh38, 1-based): chr2:205,776,407, G>A. VCF-style: chr2-205776407-G-A. GRCh37 (hg19) VCF-style: chr2-206641131-G-A.
Other names: c.2602G>A, p.Ala868Thr (NM_018534.4); c.2587G>A, p.Ala863Thr (NM_201267.2); c.2440+9589G>A (NM_201266.2); c.2425+9604G>A (NM_201279.2); short protein forms A863T, A868T.
Identifiers: ClinVar variation 4989133 (VCV004989133.1).

ClinVar aggregate classification (germline): Uncertain significance (1 of 4 stars; one submission).

Conditions:
NRP2-related disorder. Also called: NRP2-related condition.

gnomAD v4.1: 2 of 1,613,494 alleles (0.00012%); highest among the groups gnomAD compares: Non-Finnish European, 0.00017%; no homozygotes.

Submission:

PreventionGenetics, part of Exact Sciences
Classification: Uncertain significance for NRP2-related condition. Last evaluated: 2025-12-26. Review status: criteria provided, single submitter. Criteria: ACMG Guidelines, 2015. Collection method: clinical testing. Allele origin: germline.
Comment: The NRP2 c.2587G>A variant is predicted to result in the amino acid substitution p.Ala863Thr. To our knowledge, this variant has not been reported in the literature. This variant is reported in 0.00088% of alleles in individuals of European (Non-Finnish) descent in gnomAD. At this time, the clinical significance of this variant is uncertain due to the absence of conclusive functional and genetic evidence.